The following is an entry in ClinVar:

NM_000051.4(ATM):c.2250+28C>T

Gene: ATM (ATM serine/threonine kinase; plus strand). Cytogenetic location: 11q22.3.
Variant type: single nucleotide variant.
Coding change: c.2250+28C>T on transcript NM_000051.4 (MANE Select); 28 bases into the intron after coding-DNA position 2250, C replaced by T.
Molecular consequence: intron variant.
Genome position (GRCh38, 1-based): chr11:108,256,368, C>T. VCF-style: chr11-108256368-C-T. GRCh37 (hg19) VCF-style: chr11-108127095-C-T.
Other names: c.2250+28C>T (NM_001351834.2).
Identifiers: ClinVar variation 4539292 (VCV004539292.1).
Genomic context (GRCh38, chr11:108,256,368, plus strand): 5'-GCATATAAGTCAGAATTATTCCAGAAAGCCAAGGTAGGAGAATTTATACTAATAAAGTTT[C>T]GGATAAATTTGAATGAAATGTATTCCTGTGAAAATTATTACATTTGTTTGGAAGACATTA-3'

ClinVar aggregate classification (germline): Likely benign (1 of 4 stars; one submission).

gnomAD v4.1: 57 of 1,594,614 alleles (0.0036%); highest among the groups gnomAD compares: Middle Eastern, 0.033%; no homozygotes.

Submission:

Center for Genomic Medicine, Rigshospitalet, Copenhagen University Hospital
Classification: Likely benign. Last evaluated: 2025-12-29. Review status: criteria provided, single submitter. Criteria: ACMG Guidelines, 2015. Collection method: clinical testing. Allele origin: germline.
Comment: Classification criteria: BP4, BP7